The following is an entry in ClinVar:

NM_000059.4(BRCA2):c.9097del (p.Thr3033fs)

Gene: BRCA2 (BRCA2 DNA repair associated; plus strand). Cytogenetic location: 13q13.1.
Variant type: Deletion.
Coding change: c.9097del on transcript NM_000059.4 (MANE Select); coding-DNA position 9097, one base deleted (A; older notation c.9097delA).
Protein change: p.Thr3033fs; shifts the reading frame from threonine 3033.
Genome position (GRCh38, 1-based): chr13:32,379,893, A deleted; the last of 8 consecutive A bases (chr13:32,379,886-32,379,893); deleting any one gives the same sequence. VCF-style (leftmost placement, unchanged base first): chr13-32379885-CA-C. GRCh37 (hg19) VCF-style: chr13-32954022-CA-C.
Other names: 9325delA; c.9097delA (NM_000059.3); short protein forms T3033fs.
Identifiers: ClinVar variation 38209 (VCV000038209.57), dbSNP rs397507419, ClinGen allele CA025971.

ClinVar aggregate classification (germline): Pathogenic. Review status: reviewed by expert panel (3 of 4 stars). 24 submissions from 24 submitters: Pathogenic (1). 23 of the submissions do not count toward it. Last evaluated 2016-09-08.
ClinVar aggregate classification (somatic clinical impact): Tier I - Strong. Review status: no assertion criteria provided (0 of 4 stars). 4 submissions from 1 submitter.

Conditions:
BRCA2-related cancer predisposition. Identifiers: MedGen CN377758, MONDO:0700269.
Glioma susceptibility 3 (GLM3). Also called: Glioblastoma 3. Identifiers: Orphanet 182067, Orphanet 360, MedGen C2751641, MONDO:0013093, OMIM 613029.
Familial prostate cancer. Also called: Hereditary Prostate Cancer. Identifiers: MedGen C2931456, MONDO:0700275, OMIM 176807.
Pancreatic cancer, susceptibility to, 2. Identifiers: Orphanet 1333, MedGen C3150546, MONDO:0013235, OMIM 613347.
Medulloblastoma (MDB). Also called: Medulloblastoma, somatic; MEDULLOBLASTOMA PREDISPOSITION SYNDROME. Identifiers: Orphanet 616, MedGen C0025149, MeSH D008527, MONDO:0007959, OMIM 155255, HP:0002885.
Fanconi anemia complementation group D1. Also called: BRCA2-Related Fanconi Anemia. Identifiers: Orphanet 319462, MedGen C1838457, MONDO:0011584, OMIM 605724.
Breast-ovarian cancer, familial, susceptibility to, 2 (BROVCA2). Also called: BRCA2 Hereditary Breast and Ovarian Cancer. Identifiers: Orphanet 145, MedGen C2675520, MONDO:0012933, OMIM 612555. Disease mechanism: loss of function.
Familial cancer of breast. Also called: Hereditary breast cancer; hereditary breast carcinoma; BREAST CANCER, FAMILIAL. Identifiers: Orphanet 227535, MedGen C0346153, MONDO:0016419, OMIM 114480. Disease mechanism: loss of function.
Wilms tumor 1 (WT1). Also called: Wilms tumor, somatic. Identifiers: Orphanet 654, MedGen CN033288, MONDO:0008679, OMIM 194070.
BRCA2-related disorder. Also called: BRCA2-related condition; BRCA2-related disorders. Identifiers: MedGen CN239275.
Hereditary cancer-predisposing syndrome. Also called: Neoplastic Syndromes, Hereditary; Tumor predisposition; Hereditary Cancer Syndrome; Hereditary neoplastic syndrome. Identifiers: Orphanet 140162, MedGen C0027672, MeSH D009386, MONDO:0015356.
Hereditary breast ovarian cancer syndrome. Also called: Hereditary breast and ovarian cancer; Breast and ovarian cancer; Hereditary breast and/or ovarian cancer syndrome; BRCA1- and BRCA2-Associated Hereditary Breast and Ovarian Cancer; Hereditary breast and ovarian cancer syndrome; Hereditary breast and ovarian cancer syndrome (HBOC). Identifiers: Orphanet 145, MedGen C0677776, MeSH D061325, MONDO:0003582. Disease mechanism: loss of function.
Lung cancer. Also called: Malignant tumor of lung; Lung cancer, somatic. Identifiers: MedGen C0242379, MONDO:0008903, OMIM 211980.
Familial pancreatic carcinoma. Identifiers: Orphanet 1333, MedGen C2931038, MONDO:0015278, OMIM 260350.
Cervical cancer. Also called: Cervix cancer; Cervical cancer, somatic; Cancer of cervix. Identifiers: MedGen C4048328, MONDO:0002974, OMIM 603956, HP:0030079.

Submissions 1 to 10 of 28:

Evidence-based Network for the Interpretation of Germline Mutant Alleles (ENIGMA)
Classification: Pathogenic for Breast-ovarian cancer, familial, susceptibility to, 2. Last evaluated: 2016-09-08. Review status: reviewed by expert panel. Criteria: ENIGMA BRCA1/2 Classification Criteria (2015). Collection method: curation. Allele origin: germline.
Comment: Variant allele predicted to encode a truncated non-functional protein.

Hema, HEMA – Genetic and Molecular Diagnostic Laboratory
Classification: Pathogenic for BRCA2-related cancer predisposition. Last evaluated: 2026-09-14. Review status: criteria provided, single submitter. Criteria: HEMA Variant Classification Assertion Criteria. Collection method: clinical testing. Allele origin: germline. Not counted in ClinVar's aggregate classification.
Comment: It is a nucleotide deletion that results in a frameshift in BRCA2. PVS1: Null variant (frameshift) in a gene for which loss of function is a known disease mechanism. The variant c.9097del (p.Thr3033LeufsTer29) in the BRCA2 gene is a frameshift variant in exon 23 that introduces a premature stop codon in exon 24/27, which is predicted to lead to nonsense-mediated decay (NMD) of the transcript. PM5_PTC_Strong: Variant that introduces a stop codon in exon 24.

GeneDx
Classification: Pathogenic. Last evaluated: 2026-08-31. Review status: criteria provided, single submitter. Criteria: GeneDx Variant Classification Process June 2021. Collection method: clinical testing. Allele origin: germline. Not counted in ClinVar's aggregate classification.
Comment: Frameshift variant predicted to result in protein truncation or nonsense mediated decay in a gene for which loss of function is a known mechanism of disease; Truncating variants in this gene are considered pathogenic by a well-established clinical consortium and/or database; Not observed at significant frequency in large population cohorts (gnomAD); Also known as 9325delA; This variant is associated with the following publications: (PMID: 25136594, 29387975, 38355628, 16683254, 26833046, 21120943, 19818148, 18006916, 24578176, 25863477, 24916970, 26221963, 26187060, 11802209, 28993434, 30702160, 32341426, 31825140, 29752822, 33726785, 31723001, 35356428, 35264596, 40068381, 12228710, 33461583, 29922827, 32438681)

Labcorp Genetics (formerly Invitae), Labcorp
Classification: Pathogenic for Hereditary breast ovarian cancer syndrome. Last evaluated: 2026-01-17. Review status: criteria provided, single submitter. Criteria: Invitae Variant Classification Sherloc (09022015). Collection method: clinical testing. Allele origin: germline. Not counted in ClinVar's aggregate classification.
Comment: This sequence change creates a premature translational stop signal (p.Thr3033Leufs*29) in the BRCA2 gene. It is expected to result in an absent or disrupted protein product. Loss-of-function variants in BRCA2 are known to be pathogenic (PMID: 20104584). The frequency data for this variant in the population databases is considered unreliable, as metrics indicate poor data quality at this position in the gnomAD database. This premature translational stop signal has been observed in individual(s) with breast cancer (PMID: 16683254, 21120943, 24578186, 24916970, 25863477, 26187060). ClinVar contains an entry for this variant (Variation ID: 38209). For these reasons, this variant has been classified as Pathogenic.

Ambry Genetics
Classification: Pathogenic for Hereditary cancer-predisposing syndrome. Last evaluated: 2025-05-21. Review status: criteria provided, single submitter. Criteria: Ambry Variant Classification Scheme 2023. Collection method: clinical testing. Allele origin: germline. Not counted in ClinVar's aggregate classification.
Comment: The c.9097delA pathogenic mutation, located in coding exon 22 of the BRCA2 gene, results from a deletion of one nucleotide at nucleotide position 9097, causing a translational frameshift with a predicted alternate stop codon (p.T3033Lfs*29). This mutation has been reported in multiple individuals with hereditary breast and/or ovarian cancer (van der Hout AH et al. Hum. Mutat., 2006 Jul;27:654-66; Kang E et al. Breast Cancer Res. Treat., 2015 May;151:157-68; Caux-Moncoutier V et al. Hum. Mutat. 2011 Mar;32(3):325-34). This variant is considered to be rare based on population cohorts in the Genome Aggregation Database (gnomAD). In addition to the clinical data presented in the literature, this alteration is expected to result in loss of function by premature protein truncation or nonsense-mediated mRNA decay. As such, this alteration is interpreted as a disease-causing mutation.

Molecular Diagnostics Laboratory, Catalan Institute of Oncology
Classification: Pathogenic for Hereditary cancer-predisposing syndrome. Last evaluated: 2025-04-22. Review status: criteria provided, single submitter. Criteria: ClinGen BRCA1BRCA2 ACMG Specifications BRCA2 V1.0.0. Collection method: clinical testing. Allele origin: germline. Not counted in ClinVar's aggregate classification.
Comment: PVS1, PM5_PTC_Strong c.9097del, located in exon 23 of the BRCA2 gene, consists in the deletion of 1 nucleotide, causing a translational frameshift with a predicted alternate stop codon (p.(Thr3033Leufs*29)). This alteration is expected to result in loss of function by premature protein truncation and nonsense-mediated mRNA decay (PVS1, PM5_PTC_Strong). This variant is found in 2/231962 alleles at a frequency of 0.0009% in the gnomAD v2.1.1 database, non-cancer dataset. The SpliceAI algorithm predicts no significant impact on splicing. It has been reported as a pathogenic variant in ClinVar and BRCA Exchange. Additional information has not been evaluated for this variant. Based on the currently available information, c.9097del is classified as a pathogenic variant according to ClinGen-BRCA2 Guidelines version 1.

Department of Pathology and Laboratory Medicine, Sinai Health System
Classification: Pathogenic for Familial cancer of breast; Medulloblastoma; Familial prostate cancer; Wilms tumor 1; Fanconi anemia complementation group D1; Breast-ovarian cancer, familial, susceptibility to, 2; Glioma susceptibility 3; Pancreatic cancer, susceptibility to, 2. Last evaluated: 2025-02-10. Review status: criteria provided, single submitter. Criteria: ACMG Guidelines, 2015. Collection method: clinical testing. Allele origin: germline. Not counted in ClinVar's aggregate classification.

CeGaT Center for Human Genetics Tuebingen
Classification: Pathogenic. Last evaluated: 2025-01-01. Review status: criteria provided, single submitter. Criteria: CeGaT Center For Human Genetics Tuebingen Variant Classification Criteria Version 2. Collection method: clinical testing. Allele origin: germline. Affected: yes. Observed: 1 variant allele. Not counted in ClinVar's aggregate classification.
Comment: BRCA2: PVS1, PM2, PS4:Moderate

Molecular Pathology, Peter Maccallum Cancer Centre
Classification: Pathogenic for Breast-ovarian cancer, familial, susceptibility to, 2. Last evaluated: 2024-04-09. Review status: criteria provided, single submitter. Criteria: ACMG Guidelines, 2015. Collection method: clinical testing. Allele origin: germline. Inheritance: Autosomal dominant inheritance. Not counted in ClinVar's aggregate classification.

Institute of Human Genetics, University of Leipzig Medical Center
Classification: Pathogenic for Familial cancer of breast. Last evaluated: 2024-01-25. Review status: criteria provided, single submitter. Criteria: ACMG Guidelines, 2015. Collection method: clinical testing. Allele origin: maternal. Inheritance: Autosomal dominant inheritance. Affected: yes. Not counted in ClinVar's aggregate classification.
Comment: Criteria applied: PVS1,PM5_STR